The following is an entry in ClinVar:

NM_001036.6(RYR3):c.767C>T (p.Ala256Val)

Gene: RYR3 (ryanodine receptor 3; plus strand). Cytogenetic location: 15q14.
Variant type: single nucleotide variant.
Coding change: c.767C>T on transcript NM_001036.6 (MANE Select); coding-DNA position 767, C replaced by T.
Protein change: p.Ala256Val; replaces alanine 256 with valine.
Molecular consequence: missense variant.
Genome position (GRCh38, 1-based): chr15:33,548,156, C>T. VCF-style: chr15-33548156-C-T. GRCh37 (hg19) VCF-style: chr15-33840357-C-T.
Other names: c.767C>T, p.Ala256Val (NM_001243996.4); short protein forms A256V.
Identifiers: ClinVar variation 5039652 (VCV005039652.1).

ClinVar aggregate classification (germline): Uncertain significance (1 of 4 stars; one submission).

gnomAD v4.1: 3 of 1,612,656 alleles (0.00019%); highest among the groups gnomAD compares: African/African-American, 0.0013%; no homozygotes.

Submission:

CeGaT Center for Human Genetics Tuebingen
Classification: Uncertain significance. Last evaluated: 2026-09-01. Review status: criteria provided, single submitter. Criteria: CeGaT Center For Human Genetics Tuebingen Variant Classification Criteria Version 2. Collection method: clinical testing. Allele origin: germline. Affected: yes. Observed: 1 variant allele.
Comment: RYR3: PM2